The following is an entry in ClinVar:

NM_000059.4(BRCA2):c.7777G>T (p.Gly2593Ter)

Gene: BRCA2 (BRCA2 DNA repair associated; plus strand). Cytogenetic location: 13q13.1.
Variant type: single nucleotide variant.
Coding change: c.7777G>T on transcript NM_000059.4 (MANE Select); coding-DNA position 7777, G replaced by T.
Protein change: p.Gly2593Ter; replaces glycine 2593 with a stop codon.
Molecular consequence: nonsense.
Genome position (GRCh38, 1-based): chr13:32,357,901, G>T. VCF-style: chr13-32357901-G-T. GRCh37 (hg19) VCF-style: chr13-32932038-G-T.
Other names: short protein forms G2593*.
Identifiers: ClinVar variation 141811 (VCV000141811.21), dbSNP rs587782028, ClinGen allele CA025271.

ClinVar aggregate classification (germline): Pathogenic. Review status: reviewed by expert panel (3 of 4 stars). 5 submissions from 5 submitters: Pathogenic (1). 4 of the submissions do not count toward it. Last evaluated 2016-09-08.

Conditions:
Hereditary cancer-predisposing syndrome. Also called: Neoplastic Syndromes, Hereditary; Hereditary Cancer Syndrome; Hereditary neoplastic syndrome; Tumor predisposition. Identifiers: Orphanet 140162, MedGen C0027672, MeSH D009386, MONDO:0015356.
Hereditary breast ovarian cancer syndrome. Also called: Hereditary breast and ovarian cancer syndrome; Hereditary breast and/or ovarian cancer syndrome; BRCA1- and BRCA2-Associated Hereditary Breast and Ovarian Cancer; Hereditary breast and ovarian cancer; Breast and ovarian cancer; Hereditary breast and ovarian cancer syndrome (HBOC). Identifiers: Orphanet 145, MedGen C0677776, MeSH D061325, MONDO:0003582. Disease mechanism: loss of function.
Breast-ovarian cancer, familial, susceptibility to, 2 (BROVCA2). Also called: BRCA2 Hereditary Breast and Ovarian Cancer. Identifiers: Orphanet 145, MedGen C2675520, MONDO:0012933, OMIM 612555. Disease mechanism: loss of function.

Submissions (5):

Evidence-based Network for the Interpretation of Germline Mutant Alleles (ENIGMA)
Classification: Pathogenic for Breast-ovarian cancer, familial, susceptibility to, 2. Last evaluated: 2016-09-08. Review status: reviewed by expert panel. Criteria: ENIGMA BRCA1/2 Classification Criteria (2015). Collection method: curation. Allele origin: germline.
Comment: Variant allele predicted to encode a truncated non-functional protein.

Labcorp Genetics (formerly Invitae), Labcorp
Classification: Pathogenic for Hereditary breast ovarian cancer syndrome. Last evaluated: 2020-04-27. Review status: criteria provided, single submitter. Criteria: Invitae Variant Classification Sherloc (09022015). Collection method: clinical testing. Allele origin: germline. Not counted in ClinVar's aggregate classification.
Comment: For these reasons, this variant has been classified as Pathogenic. Loss-of-function variants in BRCA2 are known to be pathogenic (PMID: 20104584). This variant has been reported in individuals in the Leiden Open-source Variation Database (PMID: 21520333). ClinVar contains an entry for this variant (Variation ID: 141811). This variant is not present in population databases (ExAC no frequency). This sequence change creates a premature translational stop signal (p.Gly2593*) in the BRCA2 gene. It is expected to result in an absent or disrupted protein product.

Color Diagnostics, LLC DBA Color Health
Classification: Pathogenic for Hereditary cancer-predisposing syndrome. Last evaluated: 2020-02-27. Review status: criteria provided, single submitter. Criteria: ACMG Guidelines, 2015. Collection method: clinical testing. Allele origin: germline. Not counted in ClinVar's aggregate classification.
Comment: This variant changes 1 nucleotide in exon 16 of the BRCA2 gene, creating a premature translation stop signal. This variant is expected to result in an absent or non-functional protein product. This variant has been observed in an individual who underwent genetic testing (PMID: 28152038). This variant has not been identified in the general population by the Genome Aggregation Database (gnomAD). Loss of BRCA2 function is a known mechanism of disease. Based on the available evidence, this variant is classified as Pathogenic.

Ambry Genetics
Classification: Pathogenic for Hereditary cancer-predisposing syndrome. Last evaluated: 2016-06-11. Review status: criteria provided, single submitter. Criteria: Ambry Variant Classification Scheme 2023. Collection method: clinical testing. Allele origin: germline. Not counted in ClinVar's aggregate classification.
Comment: The p.G2593* pathogenic mutation (also known as c.7777G>T), located in coding exon 15 of the BRCA2 gene, results from a G to T substitution at nucleotide position 7777. This changes the amino acid from a glycine to a stop codon within coding exon 15. Since premature stop codons are typically deleterious in nature, this alteration is interpreted as a disease-causing mutation (ACMG Recommendations for Standards for Interpretation and Reporting of Sequence Variations. Revision 2007. Genet Med. 2008;10:294).

Department of Pathology and Laboratory Medicine, Sinai Health System
Classification: Pathogenic. Review status: no assertion criteria provided. Collection method: clinical testing. Allele origin: unknown. Affected: yes. Study: The Canadian Open Genetics Repository (COGR). Not counted in ClinVar's aggregate classification.
Comment: The p.Gly2593X variant has not been previously observed in the literature, nor has it been reported in the dbSNP, LOVD, Exome Variant Server, BIC or UMD databases. The alteration leads to a premature stop codon at position 2593 and is predicted to lead to a truncated or absent protein and loss of function, which is an established disease mechanism for the BRCA2 gene. In summary, based on the above information, the clinical significance of this variant cannot be determined with certainty at this time although we would lean towards a more pathogenic role for this variant. This variant is classified as pathogenic.

Literature cited by the submitters: PubMed 20104584 (cited by Labcorp Genetics (formerly Invitae), Labcorp); PubMed 21520333 (cited by Labcorp Genetics (formerly Invitae), Labcorp).